The following is an entry in ClinVar:

ClinVar aggregate classification (germline): Benign/Likely benign. Review status: criteria provided, multiple submitters, no conflicts (2 of 4 stars). 4 submissions from 4 submitters: Benign (2); Likely benign (1). 1 of the submissions does not count toward it. Last evaluated 2026-01-27.

Conditions:
ADCY5-related disorder. Also called: ADCY5-related condition.

Allele frequency attached by ClinVar (database versions not stated): gnomAD exomes 0.00009 and 0.00025; ExAC 0.00029; ESP Exome Variant Server 0.00085; 1000 Genomes Project 30x 0.00109; gnomAD 0.00109 and 0.00112; 1000 Genomes Project 0.00120; TOPMed 0.00132.
gnomAD v4.1: 315 of 1,613,448 alleles (0.02%); highest among the groups gnomAD compares: African/African-American, 0.36%; no homozygotes.

Submissions (4):

Labcorp Genetics (formerly Invitae), Labcorp
Classification: Benign. Last evaluated: 2026-01-27. Review status: criteria provided, single submitter. Criteria: Invitae Variant Classification Sherloc (09022015). Collection method: clinical testing. Allele origin: germline.

Blueprint Genetics
Classification: Likely benign. Last evaluated: 2024-07-11. Review status: criteria provided, single submitter. Criteria: ACMG Guidelines, 2015. Collection method: clinical testing. Allele origin: germline.

Breakthrough Genomics
Classification: Benign. Review status: criteria provided, single submitter. Criteria: ACMG Guidelines, 2015. Collection method: not provided. Allele origin: germline. Inheritance: Autosomal recessive inheritance. Affected: yes.

PreventionGenetics, part of Exact Sciences
Classification: Likely benign for ADCY5-related condition. Last evaluated: 2019-03-21. Review status: no assertion criteria provided. Collection method: clinical testing. Allele origin: germline. Not counted in ClinVar's aggregate classification.
Comment: This variant is classified as likely benign based on ACMG/AMP sequence variant interpretation guidelines (Richards et al. 2015 PMID: 25741868, with internal and published modifications).

NM_183357.3(ADCY5):c.1500C>T (p.Arg500=)

Gene: ADCY5 (adenylate cyclase 5; minus strand). Cytogenetic location: 3q21.1.
Variant type: single nucleotide variant.
Coding change: c.1500C>T on transcript NM_183357.3 (MANE Select); coding-DNA position 1500, C replaced by T.
Protein change: p.Arg500=; no amino-acid change (arginine 500 retained).
Molecular consequence: synonymous variant.
Genome position (GRCh38, 1-based): chr3:123,332,582, G>A on the plus strand (C>T on the coding strand, the complement: ADCY5 is on the minus strand). VCF-style: chr3-123332582-G-A. GRCh37 (hg19) VCF-style: chr3-123051429-G-A.
Other names: c.450C>T, p.Arg150= (NM_001199642.1); c.1500C>T, p.Arg500= (NM_001378259.1).
Identifiers: ClinVar variation 697698 (VCV000697698.14), dbSNP rs141466714, ClinGen allele CA2577454.
Genomic context (GRCh38, chr3:123,332,582, plus strand): 5'-CCCAGGTCAGGCCACCCCAACCCCCGGCTCAGGGTGACTCACTGCGGCCAGCTTGTCAAA[G>A]CGGGCGAAGAGCTCGTTGAGGGTCATGACCAGTTCCTGTGCAGTGCACTGGGACGCCAGG-3'
Protein context (NP_899200.1, residues 490-510): LVMTLNELFA[Arg500=]FDKLAAENHC